The following is an entry in ClinVar:

ClinVar aggregate classification (germline): Conflicting classifications of pathogenicity. Review status: criteria provided, conflicting classifications (1 of 4 stars). 4 submissions from 4 submitters: Uncertain significance (3); Likely benign (1). Last evaluated 2025-04-05.

Conditions:
COL5A1-related disorder. Also called: COL5A1-related condition.
Ehlers-Danlos syndrome, classic type, 1 (EDSCL1). Also called: Ehlers-Danlos syndrome, type 1; EHLERS-DANLOS SYNDROME, GRAVIS TYPE; EHLERS-DANLOS SYNDROME, SEVERE CLASSIC TYPE; Ehlers-Danlos Syndrome, Classic Type, COL5A1-Related; EDS I. Identifiers: MedGen C0268335, MONDO:0019567, OMIM 130000.
Ehlers-Danlos syndrome (EDS). Identifiers: Orphanet 98249, MedGen C0013720, MONDO:0020066.

Allele frequency attached by ClinVar (database versions not stated): gnomAD exomes below 0.00001; ExAC 0.00001; gnomAD 0.00001 and 0.00002; TOPMed 0.00005.
gnomAD v4.1: 4 of 1,613,524 alleles (0.00025%); highest among the groups gnomAD compares: Admixed American, 0.0033%; no homozygotes.

Submissions (4):

PreventionGenetics, part of Exact Sciences
Classification: Uncertain significance for COL5A1-related condition. Last evaluated: 2025-04-05. Review status: criteria provided, single submitter. Criteria: ACMG Guidelines, 2015. Collection method: clinical testing. Allele origin: germline.
Comment: The COL5A1 c.5255G>C variant is predicted to result in the amino acid substitution p.Trp1752Ser. To our knowledge, this variant has not been reported in the literature. This variant has been reported in one heterozygous allele out of ~250,466 total allele count in gnomAD (GnomAd V2.1.1 Population Data). At this time, the clinical significance of this variant is uncertain due to the absence of conclusive functional and genetic evidence.

GeneDx
Classification: Uncertain significance. Last evaluated: 2024-11-19. Review status: criteria provided, single submitter. Criteria: GeneDx Variant Classification Process June 2021. Collection method: clinical testing. Allele origin: germline. Affected: yes.
Comment: Has not been previously published as pathogenic or benign to our knowledge; Not observed at significant frequency in large population cohorts (gnomAD); In silico analysis supports that this missense variant has a deleterious effect on protein structure/function; Not located in the triple helical region, where the majority of pathogenic missense variants occur (PMID: 22696272; HGMD); This variant is associated with the following publications: (PMID: 22696272)

Labcorp Genetics (formerly Invitae), Labcorp
Classification: Likely benign for Ehlers-Danlos syndrome, classic type, 1. Last evaluated: 2023-05-22. Review status: criteria provided, single submitter. Criteria: Invitae Variant Classification Sherloc (09022015). Collection method: clinical testing. Allele origin: germline.

Genome Diagnostics Laboratory, The Hospital for Sick Children
Classification: Uncertain significance for Ehlers-Danlos syndrome. Last evaluated: 2022-06-08. Review status: criteria provided, single submitter. Criteria: ACMG Guidelines, 2015. Collection method: clinical testing. Allele origin: germline.

NM_000093.5(COL5A1):c.5255G>C (p.Trp1752Ser)

Genes: COL5A1 (collagen type V alpha 1 chain; plus strand), LOC101448202 (uncharacterized LOC101448202; minus strand). Cytogenetic location: 9q34.3.
Variant type: single nucleotide variant.
Coding change: c.5255G>C on transcript NM_000093.5 (MANE Select); coding-DNA position 5255, G replaced by C.
Protein change: p.Trp1752Ser; replaces tryptophan 1752 with serine.
Molecular consequence: missense variant.
Genome position (GRCh38, 1-based): chr9:134,835,089, G>C. VCF-style: chr9-134835089-G-C. GRCh37 (hg19) VCF-style: chr9-137726935-G-C.
Other names: c.5255G>C, p.Trp1752Ser (NM_001278074.1); short protein forms W1752S.
Identifiers: ClinVar variation 839296 (VCV000839296.14), dbSNP rs747231282, ClinGen allele CA5320675.